The following is an entry in ClinVar:

ClinVar aggregate classification (germline): Uncertain significance (1 of 4 stars; one submission).

Conditions:
Primary ciliary dyskinesia. Also called: Ciliary dyskinesia. Identifiers: Orphanet 244, MedGen C0008780, MONDO:0016575, HP:0012265.

Allele frequency attached by ClinVar (database versions not stated): gnomAD 0.00001; TOPMed 0.00004; 1000 Genomes Project 30x 0.00016; 1000 Genomes Project 0.00020.
gnomAD v4.1: 39 of 1,612,846 alleles (0.0024%); highest among the groups gnomAD compares: South Asian, 0.014%; no homozygotes.

Submission:

Labcorp Genetics (formerly Invitae), Labcorp
Classification: Uncertain significance for Primary ciliary dyskinesia. Last evaluated: 2019-03-27. Review status: criteria provided, single submitter. Criteria: Invitae Variant Classification Sherloc (09022015). Collection method: clinical testing. Allele origin: germline.
Comment: This sequence change replaces aspartic acid with tyrosine at codon 401 of the DNAAF3 protein (p.Asp401Tyr). The aspartic acid residue is weakly conserved and there is a large physicochemical difference between aspartic acid and tyrosine. This variant is present in population databases (rs571791610, ExAC 0.03%). This variant has not been reported in the literature in individuals with DNAAF3-related conditions. Algorithms developed to predict the effect of missense changes on protein structure and function output the following: SIFT: "Tolerated"; PolyPhen-2: "Benign"; Align-GVGD: "Class C0". The tyrosine amino acid residue is found in multiple mammalian species, suggesting that this missense change does not adversely affect protein function. These predictions have not been confirmed by published functional studies and their clinical significance is uncertain. Algorithms developed to predict the effect of sequence changes on RNA splicing suggest that this variant may create or strengthen a splice site, but this prediction has not been confirmed by published transcriptional studies. In summary, the available evidence is currently insufficient to determine the role of this variant in disease. Therefore, it has been classified as a Variant of Uncertain Significance.

NM_001256715.2(DNAAF3):c.997G>T (p.Asp333Tyr)

Genes: DNAAF3-AS1 (DNAAF3 antisense RNA 1; plus strand), DNAAF3 (dynein axonemal assembly factor 3; minus strand), LOC130065090 (ATAC-STARR-seq lymphoblastoid silent region 11016; plus strand). Cytogenetic location: 19q13.42.
Variant type: single nucleotide variant.
Coding change: c.997G>T on transcript NM_001256715.2 (MANE Select); coding-DNA position 997, G replaced by T.
Protein change: p.Asp333Tyr; replaces aspartic acid 333 with tyrosine.
Molecular consequence: missense variant.
Genome position (GRCh38, 1-based): chr19:55,160,691, C>A on the plus strand (G>T on the coding strand, the complement: DNAAF3 is on the minus strand). VCF-style: chr19-55160691-C-A. GRCh37 (hg19) VCF-style: chr19-55672059-C-A.
Other names: c.835G>T, p.Asp279Tyr (NM_001256716.2); c.1138G>T, p.Asp380Tyr (NM_178837.4); c.1201G>T, p.Asp401Tyr (NM_001256714.1); short protein forms D380Y, D279Y, D333Y, D401Y.
Identifiers: ClinVar variation 861420 (VCV000861420.1), dbSNP rs571791610, ClinGen allele CA9667982.